The following is an entry in ClinVar:

ClinVar aggregate classification (germline): Benign/Likely benign. Review status: criteria provided, multiple submitters, no conflicts (2 of 4 stars). 2 submissions from 2 submitters: Benign (1); Likely benign (1). Last evaluated 2024-10-28.

Conditions:
Hereditary cancer-predisposing syndrome. Also called: Hereditary Cancer Syndrome; Tumor predisposition; Hereditary neoplastic syndrome; Neoplastic Syndromes, Hereditary. Identifiers: Orphanet 140162, MedGen C0027672, MeSH D009386, MONDO:0015356.
Hereditary diffuse gastric adenocarcinoma (HDGC). Also called: DIFFUSE GASTRIC AND LOBULAR BREAST CANCER SYNDROME. Identifiers: Orphanet 26106, MedGen C1708349, MONDO:0007648, OMIM 137215.

gnomAD v4.1: 3 of 1,614,160 alleles (0.00019%); highest among the groups gnomAD compares: Non-Finnish European, 0.00025%; no homozygotes.

Submissions (2):

Ambry Genetics
Classification: Likely benign for Hereditary cancer-predisposing syndrome. Last evaluated: 2024-10-28. Review status: criteria provided, single submitter. Criteria: Ambry Variant Classification Scheme 2023. Collection method: clinical testing. Allele origin: germline.

Myriad Genetics, Inc.
Classification: Benign for Hereditary diffuse gastric adenocarcinoma. Last evaluated: 2024-09-23. Review status: criteria provided, single submitter. Criteria: Myriad Autosomal Dominant, Autosomal Recessive and X-Linked Classification Criteria (2023). Collection method: clinical testing. Allele origin: unknown.
Comment: This variant is considered benign. This variant is a silent/synonymous amino acid change and it is not expected to impact splicing.

NM_004360.5(CDH1):c.2349T>C (p.Thr783=)

Gene: CDH1 (cadherin 1; plus strand). Cytogenetic location: 16q22.1.
Variant type: single nucleotide variant.
Coding change: c.2349T>C on transcript NM_004360.5 (MANE Select); coding-DNA position 2349, T replaced by C.
Protein change: p.Thr783=; no amino-acid change (threonine 783 retained).
Molecular consequence: synonymous variant.
Genome position (GRCh38, 1-based): chr16:68,829,707, T>C. VCF-style: chr16-68829707-T-C. GRCh37 (hg19) VCF-style: chr16-68863610-T-C.
Other names: c.2166T>C, p.Thr722= (NM_001317184.2); c.801T>C, p.Thr267= (NM_001317185.2); c.384T>C, p.Thr128= (NM_001317186.2).
Identifiers: ClinVar variation 3379299 (VCV003379299.2).